The following is an entry in ClinVar:

ClinVar aggregate classification (germline): Uncertain significance (1 of 4 stars; one submission).

Allele frequency attached by ClinVar (database versions not stated): TOPMed 0.00002.
gnomAD v4.1: 7 of 1,613,720 alleles (0.00043%); highest among the groups gnomAD compares: Non-Finnish European, 0.00059%; no homozygotes.

Submission:

GeneDx
Classification: Uncertain significance. Last evaluated: 2019-04-23. Review status: criteria provided, single submitter. Criteria: GeneDx Variant Classification Process June 2021. Collection method: clinical testing. Allele origin: germline. Affected: yes.
Comment: Not observed in large population cohorts (Lek et al., 2016); Has not been previously published as pathogenic or benign to our knowledge; In-silico analysis, which includes splice predictors and evolutionary conservation, is inconclusive as to whether the variant alters gene splicing. In the absence of RNA/functional studies, the actual effect of this sequence change is unknown.

NM_001042432.2(CLN3):c.294+5G>T

Gene: CLN3 (CLN3 lysosomal/endosomal transmembrane protein, battenin; minus strand). Cytogenetic location: 16p12.1.
Variant type: single nucleotide variant.
Coding change: c.294+5G>T on transcript NM_001042432.2 (MANE Select); 5 bases into the intron after coding-DNA position 294, G replaced by T.
Molecular consequence: intron variant.
Genome position (GRCh38, 1-based): chr16:28,488,586, C>A on the plus strand (G>T on the coding strand, the complement: CLN3 is on the minus strand). VCF-style: chr16-28488586-C-A. GRCh37 (hg19) VCF-style: chr16-28499907-C-A.
Other names: c.60+704G>T (NM_001286109.2); c.222+704G>T (NM_001286104.2); c.74+5G>T (NM_001286105.2); c.132+5G>T (NM_001286110.2); c.294+5G>T (NM_000086.2).
Identifiers: ClinVar variation 1305298 (VCV001305298.2), dbSNP rs780921389, ClinGen allele CA719659619.